The following is an entry in ClinVar:

NM_001042492.3(NF1):c.3718G>T (p.Ala1240Ser)

Gene: NF1 (neurofibromin 1; plus strand). Cytogenetic location: 17q11.2.
Variant type: single nucleotide variant.
Coding change: c.3718G>T on transcript NM_001042492.3 (MANE Select); coding-DNA position 3718, G replaced by T.
Protein change: p.Ala1240Ser; replaces alanine 1240 with serine.
Molecular consequence: missense variant.
Genome position (GRCh38, 1-based): chr17:31,235,620, G>T. VCF-style: chr17-31235620-G-T. GRCh37 (hg19) VCF-style: chr17-29562638-G-T.
Other names: c.3718G>T, p.Ala1240Ser (NM_000267.4); short protein forms A1240S.
Identifiers: ClinVar variation 1514745 (VCV001514745.9), dbSNP rs2151437719, ClinGen allele CA398992310.

ClinVar aggregate classification (germline): Uncertain significance. Review status: criteria provided, multiple submitters, no conflicts (2 of 4 stars). 2 submissions from 2 submitters: Uncertain significance (2). Last evaluated 2025-01-03.

Conditions:
Neurofibromatosis, type 1 (NF1). Also called: Neurofibromatosis, type I; Peripheral type neurofibromatosis; VON RECKLINGHAUSEN DISEASE; NEUROFIBROMATOSIS, TYPE I, SOMATIC. Identifiers: Orphanet 636, MedGen C0027831, MONDO:0018975, OMIM 162200. Disease mechanism: loss of function.
Hereditary cancer-predisposing syndrome. Also called: Neoplastic Syndromes, Hereditary; Hereditary Cancer Syndrome; Tumor predisposition; Hereditary neoplastic syndrome. Identifiers: Orphanet 140162, MedGen C0027672, MeSH D009386, MONDO:0015356.
Cardiovascular phenotype. Identifiers: MedGen CN230736.

Submissions (2):

Ambry Genetics
Classification: Uncertain significance for Cardiovascular phenotype; Hereditary cancer-predisposing syndrome. Last evaluated: 2025-01-03. Review status: criteria provided, single submitter. Criteria: Ambry Variant Classification Scheme 2023. Collection method: clinical testing. Allele origin: germline.
Comment: The p.A1240S variant (also known as c.3718G>T), located in coding exon 28 of the NF1 gene, results from a G to T substitution at nucleotide position 3718. The alanine at codon 1240 is replaced by serine, an amino acid with similar properties. This amino acid position is conserved. In addition, the in silico prediction for this alteration is inconclusive. Based on the available evidence, the clinical significance of this variant remains unclear.

Labcorp Genetics (formerly Invitae), Labcorp
Classification: Uncertain significance for Neurofibromatosis, type 1. Last evaluated: 2022-08-15. Review status: criteria provided, single submitter. Criteria: Invitae Variant Classification Sherloc (09022015). Collection method: clinical testing. Allele origin: germline.
Comment: ClinVar contains an entry for this variant (Variation ID: 1514745). This variant has not been reported in the literature in individuals affected with NF1-related conditions. This variant is not present in population databases (gnomAD no frequency). This sequence change replaces alanine, which is neutral and non-polar, with serine, which is neutral and polar, at codon 1240 of the NF1 protein (p.Ala1240Ser). In summary, the available evidence is currently insufficient to determine the role of this variant in disease. Therefore, it has been classified as a Variant of Uncertain Significance. Advanced modeling of protein sequence and biophysical properties (such as structural, functional, and spatial information, amino acid conservation, physicochemical variation, residue mobility, and thermodynamic stability) performed at Invitae indicates that this missense variant is expected to disrupt NF1 protein function.